The following is an entry in ClinVar:

NM_032436.4(CHAMP1):c.709T>C (p.Leu237=)

Gene: CHAMP1 (chromosome alignment maintaining phosphoprotein 1; plus strand). Cytogenetic location: 13q34.
Variant type: single nucleotide variant.
Coding change: c.709T>C on transcript NM_032436.4 (MANE Select); coding-DNA position 709, T replaced by C.
Protein change: p.Leu237=; no amino-acid change (leucine 237 retained).
Molecular consequence: synonymous variant.
Genome position (GRCh38, 1-based): chr13:114,324,551, T>C. VCF-style: chr13-114324551-T-C. GRCh37 (hg19) VCF-style: chr13-115090026-T-C.
Other names: c.709T>C, p.Leu237= (NM_001164144.3, NM_001164145.3); c.709T>C (NM_001164145.2).
Identifiers: ClinVar variation 738221 (VCV000738221.6), dbSNP rs199714471, ClinGen allele CA7070674.
Genomic context (GRCh38, chr13:114,324,551, plus strand): 5'-TCAGTAAAGGCTACTCTTAGTAATCCCAAACCCCAGAAGCAGTCTCATTTCCCGGAAACA[T>C]TGGGGCCACCTTCAGCCTCATCTCCAGAGTCACCAGTTCTAGCTGCTTCCCCAGAACCTT-3'
Protein context (NP_115812.1, residues 227-247): PQKQSHFPET[Leu237=]GPPSASSPES

ClinVar aggregate classification (germline): Benign. Review status: criteria provided, single submitter (1 of 4 stars). 2 submissions from 2 submitters: Benign (1). 1 of the submissions does not count toward it. Last evaluated 2019-12-31.

Conditions:
CHAMP1-related disorder. Also called: CHAMP1-related condition.

Allele frequency attached by ClinVar (database versions not stated): ESP Exome Variant Server 0.00008; ExAC 0.00013; gnomAD exomes 0.00016 and 0.00021; gnomAD 0.00021; TOPMed 0.00021; 1000 Genomes Project 0.00060; 1000 Genomes Project 30x 0.00062.
gnomAD v4.1: 258 of 1,614,114 alleles (0.016%); highest among the groups gnomAD compares: East Asian, 0.2%; no homozygotes.

Submissions (2):

Labcorp Genetics (formerly Invitae), Labcorp
Classification: Benign. Last evaluated: 2019-12-31. Review status: criteria provided, single submitter. Criteria: Invitae Variant Classification Sherloc (09022015). Collection method: clinical testing. Allele origin: germline.

PreventionGenetics, part of Exact Sciences
Classification: Likely benign for CHAMP1-related condition. Last evaluated: 2019-06-13. Review status: no assertion criteria provided. Collection method: clinical testing. Allele origin: germline. Not counted in ClinVar's aggregate classification.
Comment: This variant is classified as likely benign based on ACMG/AMP sequence variant interpretation guidelines (Richards et al. 2015 PMID: 25741868, with internal and published modifications).